The following is an entry in ClinVar:

ClinVar aggregate classification (germline): Uncertain significance (1 of 4 stars; one submission).

Allele frequency attached by ClinVar (database versions not stated): gnomAD 0.00001; 1000 Genomes Project 0.00020; 1000 Genomes Project 30x 0.00016; TOPMed 0.00004; ExAC 0.00006; gnomAD exomes below 0.00001.
gnomAD v4.1: 10 of 1,606,584 alleles (0.00062%); highest among the groups gnomAD compares: African/African-American, 0.004%; no homozygotes.

Submission:

Ambry Genetics
Classification: Uncertain significance. Last evaluated: 2026-03-17. Review status: criteria provided, single submitter. Criteria: Ambry Variant Classification Scheme 2023. Collection method: clinical testing. Allele origin: germline.
Comment: The c.254G>A (p.R85Q) alteration is located in exon 2 (coding exon 1) of the BABAM1 gene. This alteration results from a G to A substitution at nucleotide position 254, causing the arginine (R) at amino acid position 85 to be replaced by a glutamine (Q). Based on data from gnomAD, the A allele has an overall frequency of 0.002% (5/266754) total alleles studied. The highest observed frequency was 0.006% (2/34448) of Latino alleles. Based on insufficient or conflicting evidence, the clinical significance of this alteration remains unclear.

NM_014173.4(BABAM1):c.254G>A (p.Arg85Gln)

Gene: BABAM1 (BRISC and BRCA1 A complex member 1; plus strand). Cytogenetic location: 19p13.11.
Variant type: single nucleotide variant.
Coding change: c.254G>A on transcript NM_014173.4 (MANE Select); coding-DNA position 254, G replaced by A.
Protein change: p.Arg85Gln; replaces arginine 85 with glutamine.
Molecular consequence: missense variant.
Genome position (GRCh38, 1-based): chr19:17,269,060, G>A. VCF-style: chr19-17269060-G-A. GRCh37 (hg19) VCF-style: chr19-17379869-G-A.
Other names: c.254G>A, p.Arg85Gln (NM_001033549.3, NM_001288756.2, NM_001288757.2); short protein forms R85Q.
Identifiers: ClinVar variation 2604168 (VCV002604168.3), dbSNP rs527992252, ClinGen allele CA9290653.